The following is an entry in ClinVar:

ClinVar aggregate classification (germline): Benign/Likely benign. Review status: criteria provided, multiple submitters, no conflicts (2 of 4 stars). 3 submissions from 3 submitters: Benign (1); Likely benign (1). 1 of the submissions does not count toward it. Last evaluated 2026-01-26.

Conditions:
RIPK1-related disorder. Also called: RIPK1-related condition.

Allele frequency attached by ClinVar (database versions not stated): gnomAD exomes 0.00017 and 0.00054; ExAC 0.00064; gnomAD 0.00196 and 0.00208; 1000 Genomes Project 0.00200; 1000 Genomes Project 30x 0.00203; TOPMed 0.00211; ESP Exome Variant Server 0.00261.
gnomAD v4.1: 553 of 1,614,206 alleles (0.034%); highest among the groups gnomAD compares: African/African-American, 0.69%; 3 homozygotes.

Submissions (3):

Labcorp Genetics (formerly Invitae), Labcorp
Classification: Benign. Last evaluated: 2026-01-26. Review status: criteria provided, single submitter. Criteria: Invitae Variant Classification Sherloc (09022015). Collection method: clinical testing. Allele origin: germline.

Blueprint Genetics
Classification: Likely benign. Last evaluated: 2024-06-19. Review status: criteria provided, single submitter. Criteria: ACMG Guidelines, 2015. Collection method: clinical testing. Allele origin: germline.

PreventionGenetics, part of Exact Sciences
Classification: Benign for RIPK1-related condition. Last evaluated: 2019-11-25. Review status: no assertion criteria provided. Collection method: clinical testing. Allele origin: germline. Not counted in ClinVar's aggregate classification.
Comment: This variant is classified as benign based on ACMG/AMP sequence variant interpretation guidelines (Richards et al. 2015 PMID: 25741868, with internal and published modifications).

NM_001354930.2(RIPK1):c.700G>A (p.Glu234Lys)

Gene: RIPK1 (receptor interacting serine/threonine kinase 1; plus strand). Cytogenetic location: 6p25.2.
Variant type: single nucleotide variant.
Coding change: c.700G>A on transcript NM_001354930.2 (MANE Select); coding-DNA position 700, G replaced by A.
Protein change: p.Glu234Lys; replaces glutamic acid 234 with lysine.
Molecular consequence: missense variant.
Genome position (GRCh38, 1-based): chr6:3,085,270, G>A. VCF-style: chr6-3085270-G-A. GRCh37 (hg19) VCF-style: chr6-3085504-G-A.
Other names: c.700G>A (NM_003804.4); c.211G>A, p.Glu71Lys (NM_001317061.3, NM_001354932.2, NM_001354933.2 and 1 more transcripts); c.562G>A, p.Glu188Lys (NM_001354931.2); c.700G>A, p.Glu234Lys (NM_003804.6); short protein forms E188K, E234K, E71K.
Identifiers: ClinVar variation 1164644 (VCV001164644.12), dbSNP rs17548383, ClinGen allele CA3618272.
Genomic context (GRCh38, chr6:3,085,270, plus strand): 5'-TCCTGCCTGAGAGAGGAGCAAGACCTGAAAGAAAGTCTTTGCTTTGTAGATGCTATCTGT[G>A]AGCAGCAGTTGATAATGTGCATAAAATCTGGGAACAGGCCAGATGTGGATGACATCACTG-3'
Protein context (NP_001341859.1, residues 224-244): NKEPYENAIC[Glu234Lys]QQLIMCIKSG